The following is an entry in ClinVar:

ClinVar aggregate classification (germline): Benign (1 of 4 stars; one submission).

Conditions:
Oligodontia-cancer predisposition syndrome. Also called: TOOTH AGENESIS-COLORECTAL CANCER SYNDROME. Identifiers: Orphanet 300576, MedGen C1837750, MONDO:0012075, OMIM 608615. Disease mechanism: loss of function.

Submission:

Myriad Genetics, Inc.
Classification: Benign for Oligodontia-cancer predisposition syndrome. Last evaluated: 2024-07-10. Review status: criteria provided, single submitter. Criteria: Myriad Autosomal Dominant, Autosomal Recessive and X-Linked Classification Criteria (2023). Collection method: clinical testing. Allele origin: unknown.
Comment: This variant is considered benign. This variant is a silent/synonymous amino acid change and it is not expected to impact splicing.

NM_004655.4(AXIN2):c.2301T>G (p.Thr767=)

Gene: AXIN2 (axin 2; minus strand). Cytogenetic location: 17q24.1.
Variant type: single nucleotide variant.
Coding change: c.2301T>G on transcript NM_004655.4 (MANE Select); coding-DNA position 2301, T replaced by G.
Protein change: p.Thr767=; no amino-acid change (threonine 767 retained).
Molecular consequence: synonymous variant.
Genome position (GRCh38, 1-based): chr17:65,534,016, A>C on the plus strand (T>G on the coding strand, the complement: AXIN2 is on the minus strand). VCF-style: chr17-65534016-A-C. GRCh37 (hg19) VCF-style: chr17-63530134-A-C.
Other names: c.2106T>G, p.Thr702= (NM_001363813.1).
Identifiers: ClinVar variation 3379151 (VCV003379151.1).
Genomic context (GRCh38, chr17:65,534,016, plus strand): 5'-GGTCAAGCTCTGAGCCTTCAGCATCCTCCGGTATGGAATTTCTTCCCCACAGAAAAAGTA[A>C]GTGACAACCAACTCACTGGCCTGGAGCGCGTGGACACCTGCCAGTTTCTTTGGCTCTTTG-3'
Protein context (NP_004646.3, residues 757-777): HALQASELVV[Thr767=]YFFCGEEIPY